The following is an entry in ClinVar:

NM_000127.3(EXT1):c.1761G>A (p.Glu587=)

Gene: EXT1 (exostosin glycosyltransferase 1; minus strand). Cytogenetic location: 8q24.11.
Variant type: single nucleotide variant.
Coding change: c.1761G>A on transcript NM_000127.3 (MANE Select); coding-DNA position 1761, G replaced by A.
Protein change: p.Glu587=; no amino-acid change (glutamic acid 587 retained).
Molecular consequence: synonymous variant.
Genome position (GRCh38, 1-based): chr8:117,807,339, C>T on the plus strand (G>A on the coding strand, the complement: EXT1 is on the minus strand). VCF-style: chr8-117807339-C-T. GRCh37 (hg19) VCF-style: chr8-118819578-C-T.
Other names: p.Glu587=.
Identifiers: ClinVar variation 255175 (VCV000255175.22), dbSNP rs7837891, ClinGen allele CA4854016.
Genomic context (GRCh38, chr8:117,807,339, plus strand): 5'-TCCCCACCGCTCCTTAGAGTTATCCCAGAAGTGGCTGCGCGCGGGGTACCCCACAATCCT[C>T]TCAGGGAAGCTCTGCCACACTGTGAAGGCGAAATCCACCTGCAGGCAGAACACAAGCCAA-3'
Protein context (NP_000118.2, residues 577-597): FAFTVWQSFP[Glu587=]RIVGYPARSH

ClinVar aggregate classification (germline): Benign. Review status: criteria provided, multiple submitters, no conflicts (2 of 4 stars). 9 submissions from 9 submitters: Benign (9). Last evaluated 2026-02-04.

Conditions:
Exostoses, multiple, type 1 (EXT1). Also called: Hereditary Multiple Osteochondromatosis, Type I; EXOSTOSES, MULTIPLE, TYPE I. Identifiers: MedGen CN263289, MONDO:0007585, OMIM 133700.
Multiple congenital exostosis (EXT). Also called: Hereditary multiple exostoses; Hereditary multiple exostosis; Multiple exostoses; MULTIPLE CARTILAGINOUS EXOSTOSES; Hereditary multiple osteochondromas; Multiple osteochondromas. Identifiers: Orphanet 321, MedGen C0015306, MONDO:0005508, HP:0002762.

Allele frequency attached by ClinVar (database versions not stated): 1000 Genomes Project 0.33846; 1000 Genomes Project 30x 0.33885; ESP Exome Variant Server 0.35107; gnomAD 0.36094 and 0.36295; TOPMed 0.36796; ExAC 0.39736; gnomAD exomes 0.40271 and 0.40712.
gnomAD v4.1: 644,048 of 1,613,820 alleles (40%); highest among the groups gnomAD compares: Admixed American, 53%; 131,429 homozygotes.

Submissions (9):

Labcorp Genetics (formerly Invitae), Labcorp
Classification: Benign for Multiple congenital exostosis. Last evaluated: 2026-02-04. Review status: criteria provided, single submitter. Criteria: Invitae Variant Classification Sherloc (09022015). Collection method: clinical testing. Allele origin: germline.

Blueprint Genetics
Classification: Benign. Last evaluated: 2024-11-27. Review status: criteria provided, single submitter. Criteria: ACMG Guidelines, 2015. Collection method: clinical testing. Allele origin: germline.

KCCC/NGS Laboratory, Kuwait Cancer Control Center
Classification: Benign for Exostoses, multiple, type 1. Last evaluated: 2023-07-07. Review status: criteria provided, single submitter. Criteria: ACMG Guidelines, 2015. Collection method: clinical testing. Allele origin: germline. Affected: yes.

Mayo Clinic Laboratories, Mayo Clinic
Classification: Benign. Last evaluated: 2022-03-03. Review status: criteria provided, single submitter. Criteria: ACMG Guidelines, 2015. Collection method: clinical testing. Allele origin: germline. Observed: 201 variant alleles.

Genome-Nilou Lab
Classification: Benign for Exostoses, multiple, type 1. Last evaluated: 2021-08-10. Review status: criteria provided, single submitter. Criteria: ACMG Guidelines, 2015. Collection method: clinical testing. Allele origin: germline. Affected: no.

Illumina Laboratory Services, Illumina
Classification: Benign for Exostoses, multiple, type 1. Last evaluated: 2018-01-13. Review status: criteria provided, single submitter. Criteria: ICSL Variant Classification Criteria 13 December 2019. Collection method: clinical testing. Allele origin: germline.
Comment: This variant was observed in the ICSL laboratory as part of a predisposition screen in an ostensibly healthy population. It had not been previously curated by ICSL or reported in the Human Gene Mutation Database (HGMD: prior to June 1st, 2018), and was therefore a candidate for classification through an automated scoring system. Utilizing variant allele frequency, disease prevalence and penetrance estimates, and inheritance mode, an automated score was calculated to assess if this variant is too frequent to cause the disease. Based on the score and internal cut-off values, a variant classified as benign is not then subjected to further curation. The score for this variant resulted in a classification of benign for this disease.

GeneDx
Classification: Benign. Last evaluated: 2015-03-03. Review status: criteria provided, single submitter. Criteria: GeneDx Variant Classification Process June 2021. Collection method: clinical testing. Allele origin: germline. Affected: yes.

Breakthrough Genomics
Classification: Benign. Review status: criteria provided, single submitter. Criteria: ACMG Guidelines, 2015. Collection method: not provided. Allele origin: germline. Inheritance: Autosomal dominant inheritance. Affected: yes.

PreventionGenetics, part of Exact Sciences
Classification: Benign. Review status: criteria provided, single submitter. Criteria: ACMG Guidelines, 2015. Collection method: clinical testing. Allele origin: germline.